The following is an entry in ClinVar:

ClinVar aggregate classification (germline): Uncertain significance (1 of 4 stars; one submission).

Allele frequency attached by ClinVar (database versions not stated): gnomAD exomes below 0.00001.
gnomAD v4.1: 1 of 1,614,160 alleles (0.000062%); highest among the groups gnomAD compares: Non-Finnish European, 0.000085%; no homozygotes.

Submission:

Labcorp Genetics (formerly Invitae), Labcorp
Classification: Uncertain significance. Last evaluated: 2024-02-05. Review status: criteria provided, single submitter. Criteria: Invitae Variant Classification Sherloc (09022015). Collection method: clinical testing. Allele origin: germline.
Comment: This sequence change replaces valine, which is neutral and non-polar, with phenylalanine, which is neutral and non-polar, at codon 191 of the WHRN protein (p.Val191Phe). This variant is not present in population databases (gnomAD no frequency). This variant has not been reported in the literature in individuals affected with WHRN-related conditions. ClinVar contains an entry for this variant (Variation ID: 1423653). An algorithm developed to predict the effect of missense changes on protein structure and function (PolyPhen-2) suggests that this variant is likely to be disruptive. In summary, the available evidence is currently insufficient to determine the role of this variant in disease. Therefore, it has been classified as a Variant of Uncertain Significance.

NM_015404.4(WHRN):c.571G>T (p.Val191Phe)

Gene: WHRN (whirlin; minus strand). Cytogenetic location: 9q32.
Variant type: single nucleotide variant.
Coding change: c.571G>T on transcript NM_015404.4 (MANE Select); coding-DNA position 571, G replaced by T.
Protein change: p.Val191Phe; replaces valine 191 with phenylalanine.
Molecular consequence: missense variant.
Genome position (GRCh38, 1-based): chr9:114,504,231, C>A on the plus strand (G>T on the coding strand, the complement: WHRN is on the minus strand). VCF-style: chr9-114504231-C-A. GRCh37 (hg19) VCF-style: chr9-117266511-C-A.
Other names: c.571G>T, p.Val191Phe (NM_001173425.2); short protein forms V191F.
Identifiers: ClinVar variation 1423653 (VCV001423653.5), dbSNP rs781410100, ClinGen allele CA374611758.
Genomic context (GRCh38, chr9:114,504,231, plus strand): 5'-ACCACAGCCTTACCTTGACGGCCTCCGCGTGGGTCACCCGGGCCAGGGATTTGTCGTTGA[C>A]GCGCAGAATCTGGTCCCCGACCCGCAGTCCTTCCTTCTCAGCTAGAGAGCCTGGTTCCAC-3'
Protein context (NP_056219.3, residues 181-201): GLRVGDQILR[Val191Phe]NDKSLARVTH